The following is an entry in ClinVar:

NM_130837.3(OPA1):c.*560T>C

Gene: OPA1 (OPA1 mitochondrial dynamin like GTPase; plus strand). Cytogenetic location: 3q29.
Variant type: single nucleotide variant.
Coding change: c.*560T>C on transcript NM_130837.3 (MANE Select); 560 bases downstream of the stop codon, T replaced by C.
Molecular consequence: 3 prime UTR variant.
Genome position (GRCh38, 1-based): chr3:193,695,160, T>C. VCF-style: chr3-193695160-T-C. GRCh37 (hg19) VCF-style: chr3-193412949-T-C.
Other names: c.*560T>C (NM_001354663.2, NM_001354664.2, NM_015560.3 and 6 more transcripts).
Identifiers: ClinVar variation 344494 (VCV000344494.6), dbSNP rs7643844, ClinGen allele CA10615445.
Genomic context (GRCh38, chr3:193,695,160, plus strand): 5'-GACCATGATAATTCAGTTTATATTCACCACATGAAAGAAAAATGGGTAACAGAAGAACCC[T>C]TAAAACAGGTTAATTTGGATTGTAACGTTCAGTGAAAGAAATTTCAACCCTTCATAGCCA-3'

ClinVar aggregate classification (germline): Benign. Review status: criteria provided, multiple submitters, no conflicts (2 of 4 stars). 2 submissions from 2 submitters: Benign (2). Last evaluated 2018-01-12.

Conditions:
Autosomal dominant optic atrophy classic form (OPA1). Also called: KJER-TYPE OPTIC ATROPHY; OPTIC ATROPHY, JUVENILE; Optic Atrophy Type 1. Identifiers: Orphanet 98673, MedGen C0338508, MONDO:0008134, OMIM 165500.

Allele frequency attached by ClinVar (database versions not stated): TOPMed 0.88343; 1000 Genomes Project 30x 0.91084; 1000 Genomes Project 0.91374; gnomAD exomes 1.00000.
gnomAD v4.1: 134,351 of 152,190 alleles (88%); highest among the groups gnomAD compares: East Asian, 97%; 59,364 homozygotes.

Submissions (2):

Illumina Laboratory Services, Illumina
Classification: Benign for Autosomal dominant optic atrophy classic form. Last evaluated: 2018-01-12. Review status: criteria provided, single submitter. Criteria: ICSL Variant Classification Criteria 13 December 2019. Collection method: clinical testing. Allele origin: germline.
Comment: This variant was observed in the ICSL laboratory as part of a predisposition screen in an ostensibly healthy population. It had not been previously curated by ICSL or reported in the Human Gene Mutation Database (HGMD: prior to June 1st, 2018), and was therefore a candidate for classification through an automated scoring system. Utilizing variant allele frequency, disease prevalence and penetrance estimates, and inheritance mode, an automated score was calculated to assess if this variant is too frequent to cause the disease. Based on the score and internal cut-off values, a variant classified as benign is not then subjected to further curation. The score for this variant resulted in a classification of benign for this disease.

Breakthrough Genomics
Classification: Benign. Review status: criteria provided, single submitter. Criteria: ACMG Guidelines, 2015. Collection method: not provided. Allele origin: germline. Inheritance: Autosomal recessive inheritance. Affected: yes.